The following is an entry in ClinVar:

ClinVar aggregate classification (germline): Uncertain significance (1 of 4 stars; one submission).

Submission:

Labcorp Genetics (formerly Invitae), Labcorp
Classification: Uncertain significance. Last evaluated: 2025-04-28. Review status: criteria provided, single submitter. Criteria: Invitae Variant Classification Sherloc (09022015). Collection method: clinical testing. Allele origin: germline.
Comment: This sequence change falls in intron 3 of the KMT2C gene. It does not directly change the encoded amino acid sequence of the KMT2C protein. This variant is not present in population databases (gnomAD no frequency). This variant has not been reported in the literature in individuals affected with KMT2C-related conditions. Algorithms developed to predict the effect of sequence changes on RNA splicing suggest that this variant may disrupt the consensus splice site. In summary, the available evidence is currently insufficient to determine the role of this variant in disease. Therefore, it has been classified as a Variant of Uncertain Significance.

NM_170606.3(KMT2C):c.390-10T>G

Gene: KMT2C (lysine methyltransferase 2C; minus strand). Cytogenetic location: 7q36.1.
Variant type: single nucleotide variant.
Coding change: c.390-10T>G on transcript NM_170606.3 (MANE Select); 10 bases into the intron before coding-DNA position 390, T replaced by G.
Molecular consequence: intron variant.
Genome position (GRCh38, 1-based): chr7:152,315,348, A>C on the plus strand (T>G on the coding strand, the complement: KMT2C is on the minus strand). VCF-style: chr7-152315348-A-C. GRCh37 (hg19) VCF-style: chr7-152012433-A-C.
Identifiers: ClinVar variation 4711267 (VCV004711267.1).